The following is an entry in ClinVar:

NM_033380.3(COL4A5):c.1813C>A (p.Pro605Thr)

Gene: COL4A5 (collagen type IV alpha 5 chain; plus strand). Cytogenetic location: Xq22.3.
Variant type: single nucleotide variant.
Coding change: c.1813C>A on transcript NM_033380.3 (MANE Select); coding-DNA position 1813, C replaced by A.
Protein change: p.Pro605Thr; replaces proline 605 with threonine.
Molecular consequence: missense variant.
Genome position (GRCh38, 1-based): chrX:108,598,735, C>A. VCF-style: chrX-108598735-C-A. GRCh37 (hg19) VCF-style: chrX-107841965-C-A.
Other names: c.1813C>A (NM_033380.1, NM_000495.3); c.1813C>A, p.Pro605Thr (NM_000495.5); short protein forms P605T.
Identifiers: ClinVar variation 1633303 (VCV001633303.9), dbSNP rs781016371, ClinGen allele CA10488799.
Genomic context (GRCh38, chrX:108,598,735, plus strand): 5'-TTCTGTATTAAACTTTTCCCTTTTTAGGGTGGAATTACTTTTAAGGGTGAAAGAGGTCCC[C>A]CTGGGAACCCAGGTTTACCAGGCCTCCCAGGGAATATAGGGCCTATGGGTCCCCCTGGTT-3'
Protein context (NP_203699.1, residues 595-615): GITFKGERGP[Pro605Thr]GNPGLPGLPG

ClinVar aggregate classification (germline): Conflicting classifications of pathogenicity. Review status: criteria provided, conflicting classifications (1 of 4 stars). 3 submissions from 3 submitters: Uncertain significance (1); Benign (1); Likely benign (1). Last evaluated 2024-08-04.

Conditions:
Inborn genetic diseases. Identifiers: MedGen C0950123, MeSH D030342.

Allele frequency attached by ClinVar (database versions not stated): TOPMed below 0.00001; gnomAD exomes 0.00001 and 0.00007; ExAC 0.00006.
gnomAD v4.1: 15 of 1,210,886 alleles (0.0012%); highest among the groups gnomAD compares: Admixed American, 0.033%; no homozygotes.

Submissions (3):

Ambry Genetics
Classification: Likely benign for Inborn genetic diseases. Last evaluated: 2024-08-04. Review status: criteria provided, single submitter. Criteria: Ambry Variant Classification Scheme 2023. Collection method: clinical testing. Allele origin: germline.

Labcorp Genetics (formerly Invitae), Labcorp
Classification: Benign. Last evaluated: 2023-12-25. Review status: criteria provided, single submitter. Criteria: Invitae Variant Classification Sherloc (09022015). Collection method: clinical testing. Allele origin: germline.

GeneDx
Classification: Uncertain significance. Last evaluated: 2022-10-12. Review status: criteria provided, single submitter. Criteria: GeneDx Variant Classification Process June 2021. Collection method: clinical testing. Allele origin: germline. Affected: yes.
Comment: In silico analysis supports that this missense variant has a deleterious effect on protein structure/function; Occurs in the triple helical domain at the Y position in the canonical Gly-X-Y repeat; although this variant may have an effect on normal protein folding and function, missense substitution at the Y position is not a common mechanism of disease; Has not been previously published as pathogenic or benign to our knowledge